The following is an entry in ClinVar:

ClinVar aggregate classification (germline): Uncertain significance (1 of 4 stars; one submission).

Submission:

Labcorp Genetics (formerly Invitae), Labcorp
Classification: Uncertain significance. Last evaluated: 2019-12-03. Review status: criteria provided, single submitter. Criteria: Invitae Variant Classification Sherloc (09022015). Collection method: clinical testing. Allele origin: germline.
Comment: In summary, the available evidence is currently insufficient to determine the role of this variant in disease. Therefore, it has been classified as a Variant of Uncertain Significance. Algorithms developed to predict the effect of missense changes on protein structure and function (SIFT, PolyPhen-2, Align-GVGD) all suggest that this variant is likely to be tolerated, but these predictions have not been confirmed by published functional studies and their clinical significance is uncertain. This variant has not been reported in the literature in individuals with SZT2-related conditions. This variant is not present in population databases (ExAC no frequency). This sequence change replaces valine with isoleucine at codon 1775 of the SZT2 protein (p.Val1775Ile). The valine residue is weakly conserved and there is a small physicochemical difference between valine and isoleucine.

NM_001365999.1(SZT2):c.5494G>A (p.Val1832Ile)

Gene: SZT2 (SZT2 subunit of KICSTOR complex; plus strand). Cytogenetic location: 1p34.2.
Variant type: single nucleotide variant.
Coding change: c.5494G>A on transcript NM_001365999.1 (MANE Select); coding-DNA position 5494, G replaced by A.
Protein change: p.Val1832Ile; replaces valine 1832 with isoleucine.
Molecular consequence: missense variant.
Genome position (GRCh38, 1-based): chr1:43,432,568, G>A. VCF-style: chr1-43432568-G-A. GRCh37 (hg19) VCF-style: chr1-43898239-G-A.
Other names: c.5323G>A, p.Val1775Ile (NM_015284.4); short protein forms V1832I, V1775I.
Identifiers: ClinVar variation 846139 (VCV000846139.9), dbSNP rs1654027857, ClinGen allele CA340025446.